The following is an entry in ClinVar:

ClinVar aggregate classification (germline): Uncertain significance (1 of 4 stars; one submission).

Submission:

Labcorp Genetics (formerly Invitae), Labcorp
Classification: Uncertain significance. Last evaluated: 2025-06-29. Review status: criteria provided, single submitter. Criteria: Invitae Variant Classification Sherloc (09022015). Collection method: clinical testing. Allele origin: germline.
Comment: This sequence change replaces tryptophan, which is neutral and slightly polar, with cysteine, which is neutral and slightly polar, at codon 83 of the DDB2 protein (p.Trp83Cys). This variant is not present in population databases (gnomAD no frequency). This variant has not been reported in the literature in individuals affected with DDB2-related conditions. ClinVar contains an entry for this variant (Variation ID: 3729303). An algorithm developed to predict the effect of missense changes on protein structure and function outputs the following: PolyPhen-2: "Benign". The cysteine amino acid residue is found in multiple mammalian species, which suggests that this missense change does not adversely affect protein function. In summary, the available evidence is currently insufficient to determine the role of this variant in disease. Therefore, it has been classified as a Variant of Uncertain Significance.

NM_000107.3(DDB2):c.249G>C (p.Trp83Cys)

Gene: DDB2 (damage specific DNA binding protein 2; plus strand). Cytogenetic location: 11p11.2.
Variant type: single nucleotide variant.
Coding change: c.249G>C on transcript NM_000107.3 (MANE Select); coding-DNA position 249, G replaced by C.
Protein change: p.Trp83Cys; replaces tryptophan 83 with cysteine.
Molecular consequence: missense variant. On other transcripts: non-coding transcript variant (2).
Genome position (GRCh38, 1-based): chr11:47,216,457, G>C. VCF-style: chr11-47216457-G-C. GRCh37 (hg19) VCF-style: chr11-47238008-G-C.
Other names: c.249G>C, p.Trp83Cys (NM_001300734.2, NM_001399874.1, NM_001399875.1 and 2 more transcripts); short protein forms W83C.
Identifiers: ClinVar variation 3729303 (VCV003729303.2).